The following is an entry in ClinVar:

ClinVar aggregate classification (germline): Pathogenic (1 of 4 stars; one submission).

Conditions:
X-linked Alport syndrome (ATS1). Also called: COL4A5-Related Nephropathy; NEPHROPATHY AND DEAFNESS, X-LINKED. Identifiers: Orphanet 63, Orphanet 88917, MedGen C4746986, MONDO:0010520, OMIM 301050.

Submission:

MVZ Medizinische Genetik Mainz
Classification: Pathogenic for X-linked Alport syndrome. Last evaluated: 2023-01-06. Review status: criteria provided, single submitter. Criteria: UK Practice Guidelines For Variant Classification V4 01 2020. Collection method: clinical testing. Allele origin: germline. Inheritance: X-linked dominant inheritance. Observed: 1 variant allele.
Comment: ACMG Criteria: PVS1, PM2_SUP, PP4

NM_033380.3(COL4A5):c.600del (p.Gly201fs)

Gene: COL4A5 (collagen type IV alpha 5 chain; plus strand). Cytogenetic location: Xq22.3.
Variant type: Deletion.
Coding change: c.600del on transcript NM_033380.3 (MANE Select); coding-DNA position 600, one base deleted (A; older notation c.600delA).
Protein change: p.Gly201fs; shifts the reading frame from glycine 201.
Molecular consequence: frameshift variant.
Genome position (GRCh38, 1-based): chrX:108,575,963, A deleted. VCF-style (leftmost placement, unchanged base first): chrX-108575962-CA-C. GRCh37 (hg19) VCF-style: chrX-107819192-CA-C.
Other names: c.600del, p.Gly201fs (NM_000495.5); short protein forms G201fs.
Identifiers: ClinVar variation 3066343 (VCV003066343.1), dbSNP rs2524225680, ClinGen allele CA2740097814.
Genomic context (GRCh38, chrX:108,575,962, plus strand): 5'-TATAACAGGGCCTACCTGGTCCCACTGGTATACCAGGGCCAATTGGTCCCCCAGGACCAC[CA>C]GGTTTGATGGTAAGCTCTCTTCTTTAATTTAATTTCCCCCCCTTTCCTTTCTGACTTCTT-3'